The following is an entry in ClinVar:

NM_133497.4(KCNV2):c.731G>A (p.Arg244His)

Gene: KCNV2 (potassium voltage-gated channel modifier subfamily V member 2; plus strand). Cytogenetic location: 9p24.2.
Variant type: single nucleotide variant.
Coding change: c.731G>A on transcript NM_133497.4 (MANE Select); coding-DNA position 731, G replaced by A.
Protein change: p.Arg244His; replaces arginine 244 with histidine.
Molecular consequence: missense variant.
Genome position (GRCh38, 1-based): chr9:2,718,470, G>A. VCF-style: chr9-2718470-G-A. GRCh37 (hg19) VCF-style: chr9-2718470-G-A.
Other names: short protein forms R244H.
Identifiers: ClinVar variation 845137 (VCV000845137.6), dbSNP rs1023306854, ClinGen allele CA187972814.
Genomic context (GRCh38, chr9:2,718,470, plus strand): 5'-CGCAGGTCGAGGAGGCGGAGGAACTCTTCCGCGACATGCGCTTCTACGGCCCGCAGCGGC[G>A]CCGCCTCTGGAACCTCATGGAGAAGCCATTCTCCTCGGTGGCCGCCAAGGCCATCGGGGT-3'
Protein context (NP_598004.1, residues 234-254): RDMRFYGPQR[Arg244His]RLWNLMEKPF

ClinVar aggregate classification (germline): Uncertain significance. Review status: criteria provided, multiple submitters, no conflicts (2 of 4 stars). 2 submissions from 2 submitters: Uncertain significance (2). Last evaluated 2024-01-08.

Conditions:
Inborn genetic diseases. Identifiers: MedGen C0950123, MeSH D030342.

Allele frequency attached by ClinVar (database versions not stated): gnomAD 0.00005 and 0.00006; TOPMed 0.00005.
gnomAD v4.1: 41 of 1,608,624 alleles (0.0025%); highest among the groups gnomAD compares: African/African-American, 0.019%; no homozygotes.

Submissions (2):

Ambry Genetics
Classification: Uncertain significance for Inborn genetic diseases. Last evaluated: 2024-01-08. Review status: criteria provided, single submitter. Criteria: Ambry Variant Classification Scheme 2023. Collection method: clinical testing. Allele origin: germline.

Labcorp Genetics (formerly Invitae), Labcorp
Classification: Uncertain significance. Last evaluated: 2022-06-28. Review status: criteria provided, single submitter. Criteria: Invitae Variant Classification Sherloc (09022015). Collection method: clinical testing. Allele origin: germline.
Comment: This sequence change replaces arginine, which is basic and polar, with histidine, which is basic and polar, at codon 244 of the KCNV2 protein (p.Arg244His). In summary, the available evidence is currently insufficient to determine the role of this variant in disease. Therefore, it has been classified as a Variant of Uncertain Significance. Advanced modeling of protein sequence and biophysical properties (such as structural, functional, and spatial information, amino acid conservation, physicochemical variation, residue mobility, and thermodynamic stability) performed at Invitae indicates that this missense variant is not expected to disrupt KCNV2 protein function. ClinVar contains an entry for this variant (Variation ID: 845137). This variant has not been reported in the literature in individuals affected with KCNV2-related conditions. The frequency data for this variant in the population databases is considered unreliable, as metrics indicate poor data quality at this position in the gnomAD database.